The following is an entry in ClinVar:

ClinVar aggregate classification (germline): Uncertain significance (1 of 4 stars; one submission).

Conditions:
Emery-Dreifuss muscular dystrophy (EDMD). Also called: Scapuloperoneal syndrome, X-linked (formerly); Humeroperoneal neuromuscular disease, (formerly). Identifiers: Orphanet 261, MedGen C0410189, MONDO:0016830.

Allele frequency attached by ClinVar (database versions not stated): TOPMed below 0.00001.

Submission:

Labcorp Genetics (formerly Invitae), Labcorp
Classification: Uncertain significance for Emery-Dreifuss muscular dystrophy. Last evaluated: 2023-09-12. Review status: criteria provided, single submitter. Criteria: Invitae Variant Classification Sherloc (09022015). Collection method: clinical testing. Allele origin: germline.
Comment: This variant is not present in population databases (gnomAD no frequency). This sequence change replaces alanine, which is neutral and non-polar, with threonine, which is neutral and polar, at codon 466 of the SUN2 protein (p.Ala466Thr). In summary, the available evidence is currently insufficient to determine the role of this variant in disease. Therefore, it has been classified as a Variant of Uncertain Significance. An algorithm developed to predict the effect of missense changes on protein structure and function (PolyPhen-2) suggests that this variant is likely to be tolerated. ClinVar contains an entry for this variant (Variation ID: 2098309). This variant has not been reported in the literature in individuals affected with SUN2-related conditions.

NM_015374.3(SUN2):c.1396G>A (p.Ala466Thr)

Genes: GTPBP1 (GTP binding protein 1; plus strand), SUN2 (Sad1 and UNC84 domain containing 2; minus strand). Cytogenetic location: 22q13.1.
Variant type: single nucleotide variant.
Coding change: c.1396G>A on transcript NM_015374.3 (MANE Select); coding-DNA position 1396, G replaced by A.
Protein change: p.Ala466Thr; replaces alanine 466 with threonine.
Molecular consequence: missense variant.
Genome position (GRCh38, 1-based): chr22:38,739,904, C>T on the plus strand (G>A on the coding strand, the complement: SUN2 is on the minus strand). VCF-style: chr22-38739904-C-T. GRCh37 (hg19) VCF-style: chr22-39135909-C-T.
Other names: c.1396G>A, p.Ala466Thr (NM_001394434.1, NM_001394435.1, NM_001394436.1 and 5 more transcripts); c.1306G>A, p.Ala436Thr (NM_001394438.1); c.1258G>A, p.Ala420Thr (NM_001394439.1, NM_001394440.1, NM_001394441.1); c.997G>A, p.Ala333Thr (NM_001394442.1); c.904G>A, p.Ala302Thr (NM_001394443.1); c.1459G>A, p.Ala487Thr (NM_001199579.2, NM_001394428.1); c.1489G>A, p.Ala497Thr (NM_001394427.1); c.1441G>A, p.Ala481Thr (NM_001394429.1, NM_001394430.1); and 1 more; short protein forms A466T, A420T, A302T, A436T, A481T, A274T, A487T, A497T.
Identifiers: ClinVar variation 2098309 (VCV002098309.4), dbSNP rs2092839772, ClinGen allele CA411584385.